The following is an entry in ClinVar:

NM_000080.4(CHRNE):c.1067C>T (p.Ser356Phe)

Genes: CHRNE (cholinergic receptor nicotinic epsilon subunit; minus strand), LOC130060041 (ATAC-STARR-seq lymphoblastoid silent region 8050; plus strand). Cytogenetic location: 17p13.2.
Variant type: single nucleotide variant.
Coding change: c.1067C>T on transcript NM_000080.4 (MANE Select); coding-DNA position 1067, C replaced by T.
Protein change: p.Ser356Phe; replaces serine 356 with phenylalanine.
Molecular consequence: missense variant.
Genome position (GRCh38, 1-based): chr17:4,899,350, G>A on the plus strand (C>T on the coding strand, the complement: CHRNE is on the minus strand). VCF-style: chr17-4899350-G-A. GRCh37 (hg19) VCF-style: chr17-4802645-G-A.
Other names: short protein forms S356F.
Identifiers: ClinVar variation 2899878 (VCV002899878.3), dbSNP rs1347589330, ClinGen allele CA397300651.

ClinVar aggregate classification (germline): Uncertain significance (1 of 4 stars; one submission).

Conditions:
Congenital myasthenic syndrome 4A. Also called: Myasthenic syndrome, congenital, 4a, slow-channel; MYASTHENIC SYNDROME, CONGENITAL, 4A, SLOW-CHANNEL, AUTOSOMAL RECESSIVE; CONGENITAL MYASTHENIC SYNDROME TYPE Ia1. Identifiers: Orphanet 590, MedGen C4225413, MONDO:0011600, OMIM 605809.

Allele frequency attached by ClinVar (database versions not stated): gnomAD exomes 0.00001.

Submission:

Labcorp Genetics (formerly Invitae), Labcorp
Classification: Uncertain significance for Congenital myasthenic syndrome 4A. Last evaluated: 2025-04-14. Review status: criteria provided, single submitter. Criteria: Invitae Variant Classification Sherloc (09022015). Collection method: clinical testing. Allele origin: germline.
Comment: This sequence change replaces serine, which is neutral and polar, with phenylalanine, which is neutral and non-polar, at codon 356 of the CHRNE protein (p.Ser356Phe). This variant is present in population databases (no rsID available, gnomAD 0.02%). This variant has not been reported in the literature in individuals affected with CHRNE-related conditions. ClinVar contains an entry for this variant (Variation ID: 2899878). Invitae Evidence Modeling of protein sequence and biophysical properties (such as structural, functional, and spatial information, amino acid conservation, physicochemical variation, residue mobility, and thermodynamic stability) indicates that this missense variant is not expected to disrupt CHRNE protein function with a negative predictive value of 95%. In summary, the available evidence is currently insufficient to determine the role of this variant in disease. Therefore, it has been classified as a Variant of Uncertain Significance.